The following is an entry in ClinVar:

NM_002473.6(MYH9):c.5767C>T (p.Arg1923Cys)

Gene: MYH9 (myosin heavy chain 9; minus strand). Cytogenetic location: 22q12.3.
Variant type: single nucleotide variant.
Coding change: c.5767C>T on transcript NM_002473.6 (MANE Select); coding-DNA position 5767, C replaced by T.
Protein change: p.Arg1923Cys; replaces arginine 1923 with cysteine.
Molecular consequence: missense variant.
Genome position (GRCh38, 1-based): chr22:36,282,784, G>A on the plus strand (C>T on the coding strand, the complement: MYH9 is on the minus strand). VCF-style: chr22-36282784-G-A. GRCh37 (hg19) VCF-style: chr22-36678830-G-A.
Other names: short protein forms R1923C.
Identifiers: ClinVar variation 2630222 (VCV002630222.2), dbSNP rs753492355, ClinGen allele CA10208910.
Genomic context (GRCh38, chr22:36,282,784, plus strand): 5'-AGCCATCCCCGGCGCCTTTCCGGGCCATTCGGCGGGGCACGACAAACGGCAGGTCCCCGC[G>A]CCTGGGGGCAGAGGTAGAAGCAGAGGGTCAGCGGGCCCGGCCAGGCCAGGGGCGGCCACA-3'
Protein context (NP_002464.1, residues 1913-1933): EVSSLKNKLR[Arg1923Cys]GDLPFVVPRR

ClinVar aggregate classification (germline): Uncertain significance. Review status: criteria provided, multiple submitters, no conflicts (2 of 4 stars). 2 submissions from 2 submitters: Uncertain significance (2). Last evaluated 2025-09-27.

Conditions:
MYH9-related disorder. Identifiers: MedGen C1854520.

Allele frequency attached by ClinVar (database versions not stated): gnomAD exomes 0.00001; ExAC 0.00002; TOPMed below 0.00001.
gnomAD v4.1: 8 of 1,608,776 alleles (0.0005%); highest among the groups gnomAD compares: Admixed American, 0.0017%; no homozygotes.

Submissions (2):

Labcorp Genetics (formerly Invitae), Labcorp
Classification: Uncertain significance. Last evaluated: 2025-09-27. Review status: criteria provided, single submitter. Criteria: Invitae Variant Classification Sherloc (09022015). Collection method: clinical testing. Allele origin: germline.
Comment: This sequence change replaces arginine, which is basic and polar, with cysteine, which is neutral and slightly polar, at codon 1923 of the MYH9 protein (p.Arg1923Cys). This variant is present in population databases (rs753492355, gnomAD 0.003%). This variant has not been reported in the literature in individuals affected with MYH9-related conditions. ClinVar contains an entry for this variant (Variation ID: 2630222). An algorithm developed to predict the effect of missense changes on protein structure and function (PolyPhen-2) suggests that this variant is likely to be disruptive. In summary, the available evidence is currently insufficient to determine the role of this variant in disease. Therefore, it has been classified as a Variant of Uncertain Significance.

PreventionGenetics, part of Exact Sciences
Classification: Uncertain significance for MYH9-related condition. Last evaluated: 2023-02-16. Review status: criteria provided, single submitter. Criteria: ACMG Guidelines, 2015. Collection method: clinical testing. Allele origin: germline.
Comment: The MYH9 c.5767C>T variant is predicted to result in the amino acid substitution p.Arg1923Cys. To our knowledge, this variant has not been reported in the literature. This variant is reported in 0.0067% of alleles in individuals of African descent in gnomAD. At this time, the clinical significance of this variant is uncertain due to the absence of conclusive functional and genetic evidence.